The following is an entry in ClinVar:

NM_006231.4(POLE):c.1018G>C (p.Glu340Gln)

Gene: POLE (DNA polymerase epsilon, catalytic subunit; minus strand). Cytogenetic location: 12q24.33.
Variant type: single nucleotide variant.
Coding change: c.1018G>C on transcript NM_006231.4 (MANE Select); coding-DNA position 1018, G replaced by C.
Protein change: p.Glu340Gln; replaces glutamic acid 340 with glutamine.
Molecular consequence: missense variant.
Genome position (GRCh38, 1-based): chr12:132,676,096, C>G on the plus strand (G>C on the coding strand, the complement: POLE is on the minus strand). VCF-style: chr12-132676096-C-G. GRCh37 (hg19) VCF-style: chr12-133252682-C-G.
Other names: short protein forms E340Q.
Identifiers: ClinVar variation 4841501 (VCV004841501.1).

ClinVar aggregate classification (germline): Uncertain significance (1 of 4 stars; one submission).

Conditions:
Hereditary cancer-predisposing syndrome. Also called: Neoplastic Syndromes, Hereditary; Tumor predisposition; Hereditary Cancer Syndrome; Hereditary neoplastic syndrome. Identifiers: Orphanet 140162, MedGen C0027672, MeSH D009386, MONDO:0015356.

Submission:

Ambry Genetics
Classification: Uncertain significance for Hereditary cancer-predisposing syndrome. Last evaluated: 2025-12-24. Review status: criteria provided, single submitter. Criteria: Ambry Variant Classification Scheme 2023. Collection method: clinical testing. Allele origin: germline.
Comment: The p.E340Q variant (also known as c.1018G>C), located in coding exon 10 of the POLE gene, results from a G to C substitution at nucleotide position 1018. The glutamic acid at codon 340 is replaced by glutamine, an amino acid with highly similar properties. This amino acid position is conserved. In addition, the in silico prediction for this alteration is inconclusive. Based on the available evidence, the clinical significance of this variant remains unclear.